The following is an entry in ClinVar:

NM_138576.4(BCL11B):c.1228C>G (p.Pro410Ala)

Gene: BCL11B (BCL11 transcription factor B; minus strand). Cytogenetic location: 14q32.2.
Variant type: single nucleotide variant.
Coding change: c.1228C>G on transcript NM_138576.4 (MANE Select); coding-DNA position 1228, C replaced by G.
Protein change: p.Pro410Ala; replaces proline 410 with alanine.
Molecular consequence: missense variant.
Genome position (GRCh38, 1-based): chr14:99,175,608, G>C on the plus strand (C>G on the coding strand, the complement: BCL11B is on the minus strand). VCF-style: chr14-99175608-G-C. GRCh37 (hg19) VCF-style: chr14-99641945-G-C.
Other names: c.1225C>G, p.Pro409Ala (NM_001282237.2); c.1012C>G, p.Pro338Ala (NM_001282238.2); c.1015C>G, p.Pro339Ala (NM_022898.3); short protein forms P339A, P338A, P409A, P410A.
Identifiers: ClinVar variation 2878231 (VCV002878231.3), dbSNP rs766665959, ClinGen allele CA7339708.

ClinVar aggregate classification (germline): Uncertain significance (1 of 4 stars; one submission).

Allele frequency attached by ClinVar (database versions not stated): ExAC 0.00001; gnomAD exomes 0.00001; TOPMed 0.00001; gnomAD 0.00002.
gnomAD v4.1: 10 of 1,564,148 alleles (0.00064%); highest among the groups gnomAD compares: African/African-American, 0.0014%; no homozygotes.

Submission:

Labcorp Genetics (formerly Invitae), Labcorp
Classification: Uncertain significance. Last evaluated: 2023-12-22. Review status: criteria provided, single submitter. Criteria: Invitae Variant Classification Sherloc (09022015). Collection method: clinical testing. Allele origin: germline.
Comment: This sequence change replaces proline, which is neutral and non-polar, with alanine, which is neutral and non-polar, at codon 410 of the BCL11B protein (p.Pro410Ala). This variant is present in population databases (rs766665959, gnomAD 0.001%). This variant has not been reported in the literature in individuals affected with BCL11B-related conditions. Advanced modeling of protein sequence and biophysical properties (such as structural, functional, and spatial information, amino acid conservation, physicochemical variation, residue mobility, and thermodynamic stability) performed at Invitae indicates that this missense variant is not expected to disrupt BCL11B protein function with a negative predictive value of 80%. In summary, the available evidence is currently insufficient to determine the role of this variant in disease. Therefore, it has been classified as a Variant of Uncertain Significance.